The following is an entry in ClinVar:

NM_020779.4(WDR35):c.3121+12A>C

Gene: WDR35 (WD repeat domain 35; minus strand). Cytogenetic location: 2p24.1.
Variant type: single nucleotide variant.
Coding change: c.3121+12A>C on transcript NM_020779.4 (MANE Select); 12 bases into the intron after coding-DNA position 3121, A replaced by C.
Molecular consequence: intron variant.
Genome position (GRCh38, 1-based): chr2:19,930,384, T>G on the plus strand (A>C on the coding strand, the complement: WDR35 is on the minus strand). VCF-style: chr2-19930384-T-G. GRCh37 (hg19) VCF-style: chr2-20130145-T-G.
Other names: c.3154+12A>C (NM_001006657.2).
Identifiers: ClinVar variation 333371 (VCV000333371.18), dbSNP rs28502265, ClinGen allele CA1542747.

ClinVar aggregate classification (germline): Benign. Review status: criteria provided, multiple submitters, no conflicts (2 of 4 stars). 10 submissions from 8 submitters: Benign (8). 2 of the submissions do not count toward it. Last evaluated 2026-02-01.

Conditions:
Short-rib thoracic dysplasia 7 with or without polydactyly (SRTD7). Also called: SHORT-RIB THORACIC DYSPLASIA 7 WITH POLYDACTYLY; Short rib polydactyly syndrome 5. Identifiers: Orphanet 498497, Orphanet 93271, MedGen C3279792, MONDO:0013569, OMIM 614091.
Cranioectodermal dysplasia 2 (CED2). Identifiers: Orphanet 1515, MedGen C3150874, MONDO:0013323, OMIM 613610.

Allele frequency attached by ClinVar (database versions not stated): ESP Exome Variant Server 0.09380; gnomAD exomes 0.10029 and 0.11446; gnomAD 0.10214 and 0.10587; TOPMed 0.10808; ExAC 0.11481; 1000 Genomes Project 30x 0.13960; 1000 Genomes Project 0.14297.
gnomAD v4.1: 163,038 of 1,614,002 alleles (10%); highest among the groups gnomAD compares: South Asian, 21%; 9,360 homozygotes.

Submissions (10):

Labcorp Genetics (formerly Invitae), Labcorp
Classification: Benign for Cranioectodermal dysplasia 2; Short-rib thoracic dysplasia 7 with or without polydactyly. Last evaluated: 2026-02-01. Review status: criteria provided, single submitter. Criteria: Invitae Variant Classification Sherloc (09022015). Collection method: clinical testing. Allele origin: germline.

Blueprint Genetics
Classification: Benign. Last evaluated: 2024-11-26. Review status: criteria provided, single submitter. Criteria: ACMG Guidelines, 2015. Collection method: clinical testing. Allele origin: germline.

Genome-Nilou Lab
Classification: Benign for Cranioectodermal dysplasia 2. Last evaluated: 2021-12-05. Review status: criteria provided, single submitter. Criteria: ACMG Guidelines, 2015. Collection method: clinical testing. Allele origin: germline. Affected: no.

Genome-Nilou Lab
Classification: Benign for Short-rib thoracic dysplasia 7 with or without polydactyly. Last evaluated: 2021-12-05. Review status: criteria provided, single submitter. Criteria: ACMG Guidelines, 2015. Collection method: clinical testing. Allele origin: germline. Affected: no.

Illumina Laboratory Services, Illumina
Classification: Benign for Cranioectodermal dysplasia 2. Last evaluated: 2018-01-13. Review status: criteria provided, single submitter. Criteria: ICSL Variant Classification Criteria 13 December 2019. Collection method: clinical testing. Allele origin: germline.
Comment: This variant was observed in the ICSL laboratory as part of a predisposition screen in an ostensibly healthy population. It had not been previously curated by ICSL or reported in the Human Gene Mutation Database (HGMD: prior to June 1st, 2018), and was therefore a candidate for classification through an automated scoring system. Utilizing variant allele frequency, disease prevalence and penetrance estimates, and inheritance mode, an automated score was calculated to assess if this variant is too frequent to cause the disease. Based on the score and internal cut-off values, a variant classified as benign is not then subjected to further curation. The score for this variant resulted in a classification of benign for this disease.

Illumina Laboratory Services, Illumina
Classification: Benign for Short-rib thoracic dysplasia 7 with or without polydactyly. Last evaluated: 2018-01-13. Review status: criteria provided, single submitter. Criteria: ICSL Variant Classification Criteria 13 December 2019. Collection method: clinical testing. Allele origin: germline.
Comment: the same text as in the submission from Illumina Laboratory Services, Illumina above.

GeneDx
Classification: Benign. Last evaluated: 2017-09-13. Review status: criteria provided, single submitter. Criteria: GeneDx Variant Classification (06012015). Collection method: clinical testing. Allele origin: germline. Affected: yes.
Comment: This variant is considered likely benign or benign based on one or more of the following criteria: it is a conservative change, it occurs at a poorly conserved position in the protein, it is predicted to be benign by multiple in silico algorithms, and/or has population frequency not consistent with disease.

Breakthrough Genomics
Classification: Benign. Review status: criteria provided, single submitter. Criteria: ACMG Guidelines, 2015. Collection method: not provided. Allele origin: germline. Inheritance: Autosomal recessive inheritance. Affected: yes.

Clinical Genetics DNA and cytogenetics Diagnostics Lab, Erasmus MC, Erasmus Medical Center
Classification: Benign. Review status: no assertion criteria provided. Collection method: clinical testing. Allele origin: germline. Affected: yes. Study: VKGL Data-share Consensus. Not counted in ClinVar's aggregate classification.

Joint Genome Diagnostic Labs from Nijmegen and Maastricht, Radboudumc and MUMC+
Classification: Benign. Review status: no assertion criteria provided. Collection method: clinical testing. Allele origin: germline. Affected: yes. Study: VKGL Data-share Consensus. Not counted in ClinVar's aggregate classification.